The following is an entry in ClinVar:

NM_032119.4(ADGRV1):c.8443A>G (p.Thr2815Ala)

Gene: ADGRV1 (adhesion G protein-coupled receptor V1; plus strand). Cytogenetic location: 5q14.3.
Variant type: single nucleotide variant.
Coding change: c.8443A>G on transcript NM_032119.4 (MANE Select); coding-DNA position 8443, A replaced by G.
Protein change: p.Thr2815Ala; replaces threonine 2815 with alanine.
Molecular consequence: missense variant. On other transcripts: non-coding transcript variant (1).
Genome position (GRCh38, 1-based): chr5:90,705,456, A>G. VCF-style: chr5-90705456-A-G. GRCh37 (hg19) VCF-style: chr5-90001273-A-G.
Other names: c.8443A>G (NM_032119.3); short protein forms T2815A.
Identifiers: ClinVar variation 1023901 (VCV001023901.10), dbSNP rs183465983, ClinGen allele CA3340265.

ClinVar aggregate classification (germline): Conflicting classifications of pathogenicity. Review status: criteria provided, conflicting classifications (1 of 4 stars). 3 submissions from 3 submitters: Uncertain significance (2); Likely benign (1). Last evaluated 2025-07-10.

Allele frequency attached by ClinVar (database versions not stated): gnomAD exomes 0.00001 and below 0.00001; ExAC 0.00002; gnomAD 0.00006; TOPMed 0.00006; 1000 Genomes Project 30x 0.00016; 1000 Genomes Project 0.00020.
gnomAD v4.1: 15 of 1,613,966 alleles (0.00093%); highest among the groups gnomAD compares: African/African-American, 0.017%; no homozygotes.

Submissions (3):

GeneDx
Classification: Uncertain significance. Last evaluated: 2025-07-10. Review status: criteria provided, single submitter. Criteria: GeneDx Variant Classification Process June 2021. Collection method: clinical testing. Allele origin: germline. Affected: yes.
Comment: In silico analysis supports that this missense variant has a deleterious effect on protein structure/function; Has not been previously published as pathogenic or benign to our knowledge

Labcorp Genetics (formerly Invitae), Labcorp
Classification: Likely benign. Last evaluated: 2024-02-09. Review status: criteria provided, single submitter. Criteria: Invitae Variant Classification Sherloc (09022015). Collection method: clinical testing. Allele origin: germline.

Blueprint Genetics
Classification: Uncertain significance. Last evaluated: 2022-11-23. Review status: criteria provided, single submitter. Criteria: ACMG Guidelines, 2015. Collection method: clinical testing. Allele origin: germline.